The following is an entry in ClinVar:

ClinVar aggregate classification (germline): Uncertain significance (1 of 4 stars; one submission).

Submission:

Women's Health and Genetics/Laboratory Corporation of America, LabCorp
Classification: Uncertain significance. Last evaluated: 2024-04-29. Review status: criteria provided, single submitter. Criteria: LabCorp Variant Classification Summary - May 2015. Collection method: clinical testing. Allele origin: germline.
Comment: Variant summary: CNOT1 c.4589G>C (p.Arg1530Thr) results in a non-conservative amino acid change located in the CCR4-NOT transcription complex subunit 1, domain 4 (IPR024557) of the encoded protein sequence. Five of five in-silico tools predict a damaging effect of the variant on protein function. The variant was absent in 251338 control chromosomes. The available data on variant occurrences in the general population are insufficient to allow any conclusion about variant significance. To our knowledge, no occurrence of c.4589G>C in individuals affected with Vissers-Bodmer Syndrome and no experimental evidence demonstrating its impact on protein function have been reported. No submitters have cited clinical-significance assessments for this variant to ClinVar. Based on the evidence outlined above, the variant was classified as uncertain significance.

NM_016284.5(CNOT1):c.4589G>C (p.Arg1530Thr)

Gene: CNOT1 (CCR4-NOT transcription complex subunit 1; minus strand). Cytogenetic location: 16q21.
Variant type: single nucleotide variant.
Coding change: c.4589G>C on transcript NM_016284.5 (MANE Select); coding-DNA position 4589, G replaced by C.
Protein change: p.Arg1530Thr; replaces arginine 1530 with threonine.
Molecular consequence: missense variant. On other transcripts: non-coding transcript variant (1).
Genome position (GRCh38, 1-based): chr16:58,542,322, C>G on the plus strand (G>C on the coding strand, the complement: CNOT1 is on the minus strand). VCF-style: chr16-58542322-C-G. GRCh37 (hg19) VCF-style: chr16-58576226-C-G.
Other names: c.4574G>C, p.Arg1525Thr (NM_001265612.2); short protein forms R1525T, R1530T.
Identifiers: ClinVar variation 3251911 (VCV003251911.1), dbSNP rs2543891122.